The following is an entry in ClinVar:

ClinVar aggregate classification (germline): Uncertain significance (1 of 4 stars; one submission).

Conditions:
Charcot-Marie-Tooth disease type 2E (CMT2E). Also called: CHARCOT-MARIE-TOOTH DISEASE, AXONAL, TYPE 2E; CHARCOT-MARIE-TOOTH NEUROPATHY, TYPE 2E. Identifiers: Orphanet 99939, MedGen C1843225, MONDO:0011894, OMIM 607684.

Submission:

Labcorp Genetics (formerly Invitae), Labcorp
Classification: Uncertain significance for Charcot-Marie-Tooth disease type 2E. Last evaluated: 2022-11-17. Review status: criteria provided, single submitter. Criteria: Invitae Variant Classification Sherloc (09022015). Collection method: clinical testing. Allele origin: germline.
Comment: In summary, the available evidence is currently insufficient to determine the role of this variant in disease. Therefore, it has been classified as a Variant of Uncertain Significance. Advanced modeling of protein sequence and biophysical properties (such as structural, functional, and spatial information, amino acid conservation, physicochemical variation, residue mobility, and thermodynamic stability) has been performed at Invitae for this missense variant, however the output from this modeling did not meet the statistical confidence thresholds required to predict the impact of this variant on NEFL protein function. This variant has not been reported in the literature in individuals affected with NEFL-related conditions. This variant is not present in population databases (gnomAD no frequency). This sequence change replaces alanine, which is neutral and non-polar, with serine, which is neutral and polar, at codon 533 of the NEFL protein (p.Ala533Ser).

NM_006158.5(NEFL):c.1597G>T (p.Ala533Ser)

Gene: NEFL (neurofilament light chain; minus strand). Cytogenetic location: 8p21.2.
Variant type: single nucleotide variant.
Coding change: c.1597G>T on transcript NM_006158.5 (MANE Select); coding-DNA position 1597, G replaced by T.
Protein change: p.Ala533Ser; replaces alanine 533 with serine.
Molecular consequence: missense variant.
Genome position (GRCh38, 1-based): chr8:24,952,845, C>A on the plus strand (G>T on the coding strand, the complement: NEFL is on the minus strand). VCF-style: chr8-24952845-C-A. GRCh37 (hg19) VCF-style: chr8-24810358-C-A.
Other names: short protein forms A533S.
Identifiers: ClinVar variation 2814830 (VCV002814830.3), dbSNP rs371037868, ClinGen allele CA370619553.